The following is an entry in ClinVar:

ClinVar aggregate classification (germline): Uncertain significance (1 of 4 stars; one submission).

Conditions:
Spastic paraplegia. Identifiers: MedGen C0037772, HP:0001258.

Allele frequency attached by ClinVar (database versions not stated): gnomAD 0.00001; TOPMed 0.00002; gnomAD exomes 0.00003 and 0.00005; ExAC 0.00007.
gnomAD v4.1: 51 of 1,613,170 alleles (0.0032%); highest among the groups gnomAD compares: Non-Finnish European, 0.004%; no homozygotes.

Submission:

Labcorp Genetics (formerly Invitae), Labcorp
Classification: Uncertain significance for Spastic paraplegia. Last evaluated: 2022-08-15. Review status: criteria provided, single submitter. Criteria: Invitae Variant Classification Sherloc (09022015). Collection method: clinical testing. Allele origin: germline.
Comment: In summary, the available evidence is currently insufficient to determine the role of this variant in disease. Therefore, it has been classified as a Variant of Uncertain Significance. Algorithms developed to predict the effect of sequence changes on RNA splicing suggest that this variant may create or strengthen a splice site. Algorithms developed to predict the effect of missense changes on protein structure and function output the following: SIFT: "Tolerated"; PolyPhen-2: "Benign"; Align-GVGD: "Class C0". The valine amino acid residue is found in multiple mammalian species, which suggests that this missense change does not adversely affect protein function. ClinVar contains an entry for this variant (Variation ID: 844980). This variant has not been reported in the literature in individuals affected with AP4E1-related conditions. This variant is present in population databases (rs779094838, gnomAD 0.01%). This sequence change replaces methionine, which is neutral and non-polar, with valine, which is neutral and non-polar, at codon 813 of the AP4E1 protein (p.Met813Val).

NM_007347.5(AP4E1):c.2437A>G (p.Met813Val)

Gene: AP4E1 (adaptor related protein complex 4 subunit epsilon 1; plus strand). Cytogenetic location: 15q21.2.
Variant type: single nucleotide variant.
Coding change: c.2437A>G on transcript NM_007347.5 (MANE Select); coding-DNA position 2437, A replaced by G.
Protein change: p.Met813Val; replaces methionine 813 with valine.
Molecular consequence: missense variant.
Genome position (GRCh38, 1-based): chr15:50,997,416, A>G. VCF-style: chr15-50997416-A-G. GRCh37 (hg19) VCF-style: chr15-51289613-A-G.
Other names: c.2212A>G, p.Met738Val (NM_001252127.2); short protein forms M738V, M813V.
Identifiers: ClinVar variation 844980 (VCV000844980.5), dbSNP rs779094838, ClinGen allele CA7559327.